The following is an entry in ClinVar:

ClinVar aggregate classification (germline): Pathogenic (0 of 4 stars; one submission).

Conditions:
Epilepsy. Also called: Seizure disorder. Identifiers: MedGen C0014544, MeSH D004827, MONDO:0005027.
Intellectual disability. Also called: Intellectual functioning disability; Intellectual developmental disorder; intellectual disabilities. Identifiers: MedGen C3714756, MeSH D008607, MONDO:0001071, HP:0001249.

Submission:

Institute of Human Genetics, University of Leipzig Medical Center
Classification: Pathogenic for Epilepsy; Intellectual disability. Last evaluated: 2021-02-25. Review status: no assertion criteria provided. Collection method: clinical testing. Allele origin: de novo. Inheritance: Autosomal dominant inheritance. Affected: yes. Observed: 1 variant allele, 1 heterozygote.
Comment: Inheritance was de novo (heterozygous). The variant was reviewed according to current ClinGen recommendations and classified as Pathogenic (criteria: 1A(0), 2A(1), 3C(0.9), 4B(0.15), 5A(0.15), Total score=2.2).

Single allele

Genes: C22orf39 (chromosome 22 open reading frame 39; minus strand), CDC45 (cell division cycle 45; plus strand), CLDN5 (claudin 5; minus strand), CLTCL1 (clathrin heavy chain like 1; minus strand), AIFM3 (AIF family member 3; plus strand) and 42 more. Cytogenetic location: 22q11.21.
Variant type: Deletion.
Identifiers: ClinVar variation 997809 (VCV000997809.1).